The following is an entry in ClinVar:

ClinVar aggregate classification (germline): Uncertain significance (1 of 4 stars; one submission).

Conditions:
Hereditary spastic paraplegia 30. Identifiers: Orphanet 101010, MedGen C5235139, MONDO:0012476.
Neuropathy, hereditary sensory, type 2C. Also called: Hereditary sensory and autonomic neuropathy type IIC; KIF1A-Related HSAN2 (HSAN2C). Identifiers: Orphanet 970, MedGen C3280168, MONDO:0013634, OMIM 614213.
Intellectual disability, autosomal dominant 9 (NESCAVS). Also called: NESCAV SYNDROME; KIF1A-Related Neurodevelopmental Disorder. Identifiers: Orphanet 662367, MedGen C5393830, MONDO:0013656, OMIM 614255.

Submission:

Labcorp Genetics (formerly Invitae), Labcorp
Classification: Uncertain significance for Hereditary spastic paraplegia 30; Neuropathy, hereditary sensory, type 2C; Intellectual disability, autosomal dominant 9. Last evaluated: 2022-08-15. Review status: criteria provided, single submitter. Criteria: Invitae Variant Classification Sherloc (09022015). Collection method: clinical testing. Allele origin: germline.
Comment: This variant is not present in population databases (gnomAD no frequency). In summary, the available evidence is currently insufficient to determine the role of this variant in disease. Therefore, it has been classified as a Variant of Uncertain Significance. Advanced modeling of protein sequence and biophysical properties (such as structural, functional, and spatial information, amino acid conservation, physicochemical variation, residue mobility, and thermodynamic stability) performed at Invitae indicates that this missense variant is not expected to disrupt KIF1A protein function. This variant has not been reported in the literature in individuals affected with KIF1A-related conditions. This sequence change replaces serine, which is neutral and polar, with asparagine, which is neutral and polar, at codon 1470 of the KIF1A protein (p.Ser1470Asn).

NM_001244008.2(KIF1A):c.4712G>A (p.Ser1571Asn)

Gene: KIF1A (kinesin family member 1A; minus strand). Cytogenetic location: 2q37.3.
Variant type: single nucleotide variant.
Coding change: c.4712G>A on transcript NM_001244008.2 (MANE Select); coding-DNA position 4712, G replaced by A.
Protein change: p.Ser1571Asn; replaces serine 1571 with asparagine.
Molecular consequence: missense variant.
Genome position (GRCh38, 1-based): chr2:240,721,838, C>T on the plus strand (G>A on the coding strand, the complement: KIF1A is on the minus strand). VCF-style: chr2-240721838-C-T. GRCh37 (hg19) VCF-style: chr2-241661255-C-T.
Other names: c.4436G>A, p.Ser1479Asn (NM_001320705.2, NM_001379649.1); c.4463G>A, p.Ser1488Asn (NM_001330289.2); c.4511G>A, p.Ser1504Asn (NM_001330290.2, NM_001379648.1); c.4787G>A, p.Ser1596Asn (NM_001379631.1); c.4688G>A, p.Ser1563Asn (NM_001379632.1); c.4685G>A, p.Ser1562Asn (NM_001379633.1, NM_001379645.1); c.4538G>A, p.Ser1513Asn (NM_001379634.1); c.4535G>A, p.Ser1512Asn (NM_001379635.1, NM_001379646.1); and 7 more; short protein forms S1470N, S1488N, S1495N, S1469N, S1478N, S1513N, S1562N, S1571N.
Identifiers: ClinVar variation 1901475 (VCV001901475.5), dbSNP rs2536680044, ClinGen allele CA351303004.